The following is an entry in ClinVar:

ClinVar aggregate classification (germline): Uncertain significance (1 of 4 stars; one submission).

Conditions:
Bethlem myopathy 1A. Also called: MYOPATHY, BENIGN CONGENITAL, WITH CONTRACTURES; Bethlem myopathy 1; Bethlem Muscular Dystrophy. Identifiers: Orphanet 610, MedGen CN029274, MONDO:0024530, OMIM 158810.

Submission:

Labcorp Genetics (formerly Invitae), Labcorp
Classification: Uncertain significance for Bethlem myopathy 1A. Last evaluated: 2022-06-11. Review status: criteria provided, single submitter. Criteria: Invitae Variant Classification Sherloc (09022015). Collection method: clinical testing. Allele origin: germline.
Comment: In summary, the available evidence is currently insufficient to determine the role of this variant in disease. Therefore, it has been classified as a Variant of Uncertain Significance. Experimental studies and prediction algorithms are not available or were not evaluated, and the functional significance of this variant is currently unknown. This variant has not been reported in the literature in individuals affected with COL6A3-related conditions. This variant is not present in population databases (gnomAD no frequency). This sequence change creates a premature translational stop signal (p.Glu3159Aspfs*18) in the COL6A3 gene. While this is not anticipated to result in nonsense mediated decay, it is expected to disrupt the last 19 amino acid(s) of the COL6A3 protein.

NM_004369.4(COL6A3):c.9472_9476dup (p.Glu3159fs)

Genes: COL6A3 (collagen type VI alpha 3 chain; minus strand), LOC126806573 (CDK7 strongly-dependent group 2 enhancer GRCh37_chr2:238233151-238234350; plus strand). Cytogenetic location: 2q37.3.
Variant type: Duplication.
Coding change: c.9472_9476dup on transcript NM_004369.4 (MANE Select); coding-DNA positions 9472 to 9476, 5 bases duplicated (TGTGA; older notation c.9472_9476dupTGTGA).
Protein change: p.Glu3159fs; shifts the reading frame from glutamic acid 3159.
Molecular consequence: frameshift variant.
Genome position (GRCh38, 1-based): chr2:237,325,577-237,325,581, TCACA duplicated on the plus strand (TGTGA on the coding strand, the reverse complement: COL6A3 is on the minus strand); duplicating any 5 consecutive bases within chr2:237,325,577-237,325,582 gives the same sequence; the c. name uses the placement nearest the transcript's 3' end. VCF-style (leftmost placement, unchanged base first): chr2-237325576-T-TTCACA. GRCh37 (hg19) VCF-style: chr2-238234219-T-TTCACA.
Other names: c.7651_7655dup, p.Glu2552fs (NM_057166.5); c.8854_8858dup, p.Glu2953fs (NM_057167.4); short protein forms E3159fs, E2552fs, E2953fs.
Identifiers: ClinVar variation 1999370 (VCV001999370.4), dbSNP rs2469765236, ClinGen allele CA2580066083.
Genomic context (GRCh38, chr2:237,325,576, plus strand): 5'-TCTCTTATTTGCAGAAGCCATAAACACAAGGAAGAATCACTTACCAGGAGCGCAAACCTT[T>TTCACA]TCACATTCTTTCTGTGATCCAAATTTGTTTTCGTTTCCACCACAACCTCCATACCAGAAT-3'